The following is an entry in ClinVar:

NM_172107.4(KCNQ2):c.740C>A (p.Ser247Ter)

Gene: KCNQ2 (potassium voltage-gated channel subfamily Q member 2; minus strand). Cytogenetic location: 20q13.33.
Variant type: single nucleotide variant.
Coding change: c.740C>A on transcript NM_172107.4 (MANE Select); coding-DNA position 740, C replaced by A.
Protein change: p.Ser247Ter; replaces serine 247 with a stop codon.
Molecular consequence: nonsense.
Genome position (GRCh38, 1-based): chr20:63,442,482, G>T on the plus strand (C>A on the coding strand, the complement: KCNQ2 is on the minus strand). VCF-style: chr20-63442482-G-T. GRCh37 (hg19) VCF-style: chr20-62073835-G-T.
Other names: c.740C>A, p.Ser247Ter (NM_004518.6, NM_172106.3, NM_172108.5 and 1 more transcripts); short protein forms S247*.
Identifiers: ClinVar variation 21799 (VCV000021799.2), dbSNP rs74315392, ClinGen allele CA342525.

ClinVar aggregate classification (germline): not provided (0 of 4 stars; one submission).

Conditions:
Seizures, benign familial neonatal, 1. Also called: Benign Neonatal Epilepsy 1; KCNQ2-Related Benign Familial Neonatal Epilepsy; KCNQ2-Related Self-Limited Familial Neonatal Epilepsy (SLFNE); Seizures, benign neonatal, 1. Identifiers: Orphanet 1949, MedGen C3149074, MONDO:0007365, OMIM 121200.

Allele frequency attached by ClinVar (database versions not stated): TOPMed below 0.00001; gnomAD 0.00001.
gnomAD v4.1: 1 of 1,613,504 alleles (0.000062%); highest among the groups gnomAD compares: Non-Finnish European, 0.000085%; no homozygotes.

Submission:

GeneReviews
No classification provided. Condition: Seizures, benign familial neonatal, 1. Review status: no classification provided. Collection method: literature only. Allele origin: germline. Affected: yes.
Comment: BFNE (benign familial neonatal epilepsy)

Literature cited by the submitters: PubMed 16916607; NCBI Bookshelf NBK32534.